The following is an entry in ClinVar:

NM_004168.4(SDHA):c.587C>T (p.Thr196Ile)

Gene: SDHA (succinate dehydrogenase complex flavoprotein subunit A; plus strand). Cytogenetic location: 5p15.33.
Variant type: single nucleotide variant.
Coding change: c.587C>T on transcript NM_004168.4 (MANE Select); coding-DNA position 587, C replaced by T.
Protein change: p.Thr196Ile; replaces threonine 196 with isoleucine.
Molecular consequence: missense variant.
Genome position (GRCh38, 1-based): chr5:226,013, C>T. VCF-style: chr5-226013-C-T. GRCh37 (hg19) VCF-style: chr5-226128-C-T.
Other names: c.443C>T, p.Thr148Ile (NM_001294332.2); c.587C>T, p.Thr196Ile (NM_001330758.2); short protein forms T196I, T148I.
Identifiers: ClinVar variation 576234 (VCV000576234.11), dbSNP rs1560987863, ClinGen allele CA359010553.

ClinVar aggregate classification (germline): Uncertain significance (1 of 4 stars; one submission).

Conditions:
Mitochondrial complex II deficiency, nuclear type 1. Also called: SUCCINATE CoQ REDUCTASE DEFICIENCY. Identifiers: Orphanet 3208, MedGen C5700310, MONDO:0100294, OMIM 252011.
Pheochromocytoma/paraganglioma syndrome 5. Also called: Paragangliomas 5; SDHA-Related Hereditary Paraganglioma-Pheochromocytoma Syndrome. Identifiers: Orphanet 29072, MedGen C3279992, MONDO:0013602, OMIM 614165.

Submission:

Labcorp Genetics (formerly Invitae), Labcorp
Classification: Uncertain significance for Pheochromocytoma/paraganglioma syndrome 5; Mitochondrial complex II deficiency, nuclear type 1. Last evaluated: 2019-06-15. Review status: criteria provided, single submitter. Criteria: Invitae Variant Classification Sherloc (09022015). Collection method: clinical testing. Allele origin: germline.
Comment: This sequence change replaces threonine with isoleucine at codon 196 of the SDHA protein (p.Thr196Ile). The threonine residue is highly conserved and there is a moderate physicochemical difference between threonine and isoleucine. This variant is not present in population databases (ExAC no frequency). This variant has not been reported in the literature in individuals with SDHA-related disease. Algorithms developed to predict the effect of missense changes on protein structure and function (SIFT, PolyPhen-2, Align-GVGD) all suggest that this variant is likely to be disruptive, but these predictions have not been confirmed by published functional studies and their clinical significance is uncertain. In summary, the available evidence is currently insufficient to determine the role of this variant in disease. Therefore, it has been classified as a Variant of Uncertain Significance.